The following is an entry in ClinVar:

ClinVar aggregate classification (germline): Uncertain significance (1 of 4 stars; one submission).

Allele frequency attached by ClinVar (database versions not stated): TOPMed 0.00003; gnomAD 0.00005; gnomAD exomes below 0.00001.
gnomAD v4.1: 11 of 1,613,842 alleles (0.00068%); highest among the groups gnomAD compares: African/African-American, 0.008%; no homozygotes.

Submission:

Labcorp Genetics (formerly Invitae), Labcorp
Classification: Uncertain significance. Last evaluated: 2022-07-19. Review status: criteria provided, single submitter. Criteria: Invitae Variant Classification Sherloc (09022015). Collection method: clinical testing. Allele origin: germline.
Comment: This sequence change replaces arginine, which is basic and polar, with histidine, which is basic and polar, at codon 311 of the PYCR1 protein (p.Arg311His). The frequency data for this variant in the population databases is considered unreliable, as metrics indicate poor data quality at this position in the gnomAD database. This variant has not been reported in the literature in individuals affected with PYCR1-related conditions. ClinVar contains an entry for this variant (Variation ID: 1428755). Algorithms developed to predict the effect of missense changes on protein structure and function output the following: SIFT: "Tolerated"; PolyPhen-2: "Benign"; Align-GVGD: "Class C0". The histidine amino acid residue is found in multiple mammalian species, which suggests that this missense change does not adversely affect protein function. In summary, the available evidence is currently insufficient to determine the role of this variant in disease. Therefore, it has been classified as a Variant of Uncertain Significance.

NM_006907.4(PYCR1):c.932G>A (p.Arg311His)

Gene: PYCR1 (pyrroline-5-carboxylate reductase 1; minus strand). Cytogenetic location: 17q25.3.
Variant type: single nucleotide variant.
Coding change: c.932G>A on transcript NM_006907.4 (MANE Select); coding-DNA position 932, G replaced by A.
Protein change: p.Arg311His; replaces arginine 311 with histidine.
Molecular consequence: missense variant. On other transcripts: 3 prime UTR variant (1), intron variant (1).
Genome position (GRCh38, 1-based): chr17:81,933,242, C>T on the plus strand (G>A on the coding strand, the complement: PYCR1 is on the minus strand). VCF-style: chr17-81933242-C-T. GRCh37 (hg19) VCF-style: chr17-79891118-C-T.
Other names: c.839G>A, p.Arg280His (NM_001282279.2); c.932G>A, p.Arg311His (NM_001282280.2); c.1013G>A, p.Arg338His (NM_001282281.2); c.*114G>A (NM_001330523.2); c.867+65G>A (NM_153824.3); short protein forms R280H, R311H, R338H.
Identifiers: ClinVar variation 1428755 (VCV001428755.3), dbSNP rs990588215, ClinGen allele CA295134363.